The following is an entry in ClinVar:

ClinVar aggregate classification (germline): Pathogenic (1 of 4 stars; one submission).

Conditions:
Congenital hyperammonemia, type I. Also called: CPS I DEFICIENCY; Carbamoyl phosphate synthetase 1 deficiency; Hyperammonemia due to carbamoyl phosphate synthetase 1 deficiency; CPS 1 deficiency; Carbamyl phosphate synthetase (CPS) deficiency; Carbamoyl phosphate synthetase I deficiency disease. Identifiers: Orphanet 147, MedGen C4082171, MONDO:0009376, OMIM 237300.

Submission:

Myriad Genetics, Inc.
Classification: Pathogenic for Congenital hyperammonemia, type I. Last evaluated: 2024-03-09. Review status: criteria provided, single submitter. Criteria: Myriad Autosomal Dominant, Autosomal Recessive and X-Linked Classification Criteria (2023). Collection method: clinical testing. Allele origin: unknown.
Comment: NM_001875.4(CPS1):c.2996_2999dupGTAT(I1000Mfs*20) is expected to be pathogenic in the context of carbamoylphosphate synthetase I deficiency. This variant is predicted to lead to an abnormal or absent protein product due to the creation of a premature termination codon in CPS1, a gene where loss-of-function variants are known to be pathogenic. Please note: this variant was assessed in the context of healthy population screening.

NM_001875.5(CPS1):c.2996_2999dup (p.Ile1000fs)

Gene: CPS1 (carbamoyl-phosphate synthase 1; plus strand). Cytogenetic location: 2q34.
Variant type: Duplication.
Coding change: c.2996_2999dup on transcript NM_001875.5 (MANE Select); coding-DNA positions 2996 to 2999, 4 bases duplicated (GTAT; older notation c.2996_2999dupGTAT).
Protein change: p.Ile1000fs; shifts the reading frame from isoleucine 1000.
Molecular consequence: frameshift variant. On other transcripts: non-coding transcript variant (2).
Genome position (GRCh38, 1-based): chr2:210,642,520-210,642,523, GTAT duplicated. VCF-style (leftmost placement, unchanged base first): chr2-210642519-A-AGTAT. GRCh37 (hg19) VCF-style: chr2-211507243-A-AGTAT.
Other names: c.2996_2999dup, p.Ile1000fs (NM_001122633.3, NM_001369257.1); c.3029_3032dup, p.Ile1011fs (NM_001369256.1); short protein forms I1000fs, I1011fs.
Identifiers: ClinVar variation 5012810 (VCV005012810.1).